The following is an entry in ClinVar:

NM_000135.4(FANCA):c.3533A>G (p.Glu1178Gly)

Gene: FANCA (FA complementation group A; minus strand). Cytogenetic location: 16q24.3.
Variant type: single nucleotide variant.
Coding change: c.3533A>G on transcript NM_000135.4 (MANE Select); coding-DNA position 3533, A replaced by G.
Protein change: p.Glu1178Gly; replaces glutamic acid 1178 with glycine.
Molecular consequence: missense variant.
Genome position (GRCh38, 1-based): chr16:89,745,052, T>C on the plus strand (A>G on the coding strand, the complement: FANCA is on the minus strand). VCF-style: chr16-89745052-T-C. GRCh37 (hg19) VCF-style: chr16-89811460-T-C.
Other names: c.3533A>G, p.Glu1178Gly (NM_001286167.3); short protein forms E1178G.
Identifiers: ClinVar variation 3512672 (VCV003512672.1).

ClinVar aggregate classification (germline): Uncertain significance (1 of 4 stars; one submission).

Conditions:
Inborn genetic diseases. Identifiers: MedGen C0950123, MeSH D030342.

Submission:

Ambry Genetics
Classification: Uncertain significance for Inborn genetic diseases. Last evaluated: 2024-11-25. Review status: criteria provided, single submitter. Criteria: Ambry Variant Classification Scheme 2023. Collection method: clinical testing. Allele origin: germline.
Comment: The p.E1178G variant (also known as c.3533A>G), located in coding exon 36 of the FANCA gene, results from an A to G substitution at nucleotide position 3533. The glutamic acid at codon 1178 is replaced by glycine, an amino acid with similar properties. This amino acid position is conserved. In addition, the in silico prediction for this alteration is inconclusive. Based on the available evidence, the clinical significance of this variant remains unclear.